The following is an entry in ClinVar:

ClinVar aggregate classification (germline): Uncertain significance. Review status: criteria provided, multiple submitters, no conflicts (2 of 4 stars). 3 submissions from 3 submitters: Uncertain significance (3). Last evaluated 2025-08-14.

Conditions:
Leber congenital amaurosis 3 (LCA3). Also called: SPATA7-Related Retinitis Pigmentosa. Identifiers: MedGen C1858677, MONDO:0011415, OMIM 604232.
Inborn genetic diseases. Identifiers: MedGen C0950123, MeSH D030342.

Allele frequency attached by ClinVar (database versions not stated): gnomAD 0.00001 and 0.00003; TOPMed 0.00002; ExAC 0.00005; gnomAD exomes 0.00005; ESP Exome Variant Server 0.00008.
gnomAD v4.1: 40 of 1,587,622 alleles (0.0025%); highest among the groups gnomAD compares: East Asian, 0.0045%; no homozygotes.

Submissions (3):

Ambry Genetics
Classification: Uncertain significance for Inborn genetic diseases. Last evaluated: 2025-08-14. Review status: criteria provided, single submitter. Criteria: Ambry Variant Classification Scheme 2023. Collection method: clinical testing. Allele origin: germline.

Labcorp Genetics (formerly Invitae), Labcorp
Classification: Uncertain significance for Leber congenital amaurosis 3. Last evaluated: 2024-01-02. Review status: criteria provided, single submitter. Criteria: Invitae Variant Classification Sherloc (09022015). Collection method: clinical testing. Allele origin: germline.
Comment: This sequence change replaces arginine, which is basic and polar, with cysteine, which is neutral and slightly polar, at codon 409 of the SPATA7 protein (p.Arg409Cys). This variant is present in population databases (rs376584178, gnomAD 0.007%). This variant has not been reported in the literature in individuals affected with SPATA7-related conditions. ClinVar contains an entry for this variant (Variation ID: 1022750). Advanced modeling of protein sequence and biophysical properties (such as structural, functional, and spatial information, amino acid conservation, physicochemical variation, residue mobility, and thermodynamic stability) performed at Invitae indicates that this missense variant is expected to disrupt SPATA7 protein function with a positive predictive value of 80%. In summary, the available evidence is currently insufficient to determine the role of this variant in disease. Therefore, it has been classified as a Variant of Uncertain Significance.

Blueprint Genetics
Classification: Uncertain significance. Last evaluated: 2022-04-01. Review status: criteria provided, single submitter. Criteria: ACMG Guidelines, 2015. Collection method: clinical testing. Allele origin: germline.

NM_018418.5(SPATA7):c.1225C>T (p.Arg409Cys)

Gene: SPATA7 (spermatogenesis associated 7; plus strand). Cytogenetic location: 14q31.3.
Variant type: single nucleotide variant.
Coding change: c.1225C>T on transcript NM_018418.5 (MANE Select); coding-DNA position 1225, C replaced by T.
Protein change: p.Arg409Cys; replaces arginine 409 with cysteine.
Molecular consequence: missense variant.
Genome position (GRCh38, 1-based): chr14:88,437,847, C>T. VCF-style: chr14-88437847-C-T. GRCh37 (hg19) VCF-style: chr14-88904191-C-T.
Other names: c.1225C>T (NM_018418.4); c.1129C>T, p.Arg377Cys (NM_001040428.4); short protein forms R377C, R409C.
Identifiers: ClinVar variation 1022750 (VCV001022750.8), dbSNP rs376584178, ClinGen allele CA7298779.